The following is an entry in ClinVar:

NM_001458.5(FLNC):c.2162del (p.Asn721fs)

Gene: FLNC (filamin C; plus strand). Cytogenetic location: 7q32.1.
Variant type: Deletion.
Coding change: c.2162del on transcript NM_001458.5 (MANE Select); coding-DNA position 2162, one base deleted (A; older notation c.2162delA).
Protein change: p.Asn721fs; shifts the reading frame from asparagine 721.
Molecular consequence: frameshift variant.
Genome position (GRCh38, 1-based): chr7:128,842,271, A deleted; the last of 2 consecutive A bases (chr7:128,842,270-128,842,271); deleting either gives the same sequence. VCF-style (leftmost placement, unchanged base first): chr7-128842269-CA-C. GRCh37 (hg19) VCF-style: chr7-128482323-CA-C.
Other names: c.2162del, p.Asn721fs (NM_001127487.2); short protein forms N721fs.
Identifiers: ClinVar variation 3776247 (VCV003776247.1).

ClinVar aggregate classification (germline): Likely pathogenic (1 of 4 stars; one submission).

Conditions:
Hypertrophic cardiomyopathy 26. Also called: Cardiomyopathy, familial hypertrophic, 26. Identifiers: Orphanet 75249, MedGen C4310749, MONDO:0014883, OMIM 617047.

Submission:

3billion
Classification: Likely pathogenic for Hypertrophic cardiomyopathy 26. Last evaluated: 2024-01-24. Review status: criteria provided, single submitter. Criteria: ACMG Guidelines, 2015. Collection method: clinical testing. Allele origin: germline. Affected: yes.
Comment: The variant is not observed in the gnomAD v2.1.1 dataset. Predicted Consequence/Location: Frameshift: predicted to result in a loss or disruption of normal protein function through nonsense-mediated decay (NMD) or protein truncation. Multiple pathogenic variants are reported downstream of the variant. Therefore, this variant is classified as Likely pathogenic according to the recommendation of ACMG/AMP guideline.